The following is an entry in ClinVar:

ClinVar aggregate classification (germline): Uncertain significance. Review status: criteria provided, multiple submitters, no conflicts (2 of 4 stars). 2 submissions from 2 submitters: Uncertain significance (2). Last evaluated 2023-07-31.

Conditions:
Hereditary nonpolyposis colorectal neoplasms. Identifiers: MedGen C0009405, MeSH D003123.
Lynch syndrome 4 (LYNCH4). Also called: Colorectal cancer, hereditary nonpolyposis, type 4; Hereditary non-polyposis colorectal cancer, type 4. Identifiers: Orphanet 144, MedGen C1838333, MONDO:0013699, OMIM 614337. Disease mechanism: loss of function.

Submissions (2):

Baylor Genetics
Classification: Uncertain significance for Lynch syndrome 4. Last evaluated: 2023-07-31. Review status: criteria provided, single submitter. Criteria: ACMG Guidelines, 2015. Collection method: clinical testing. Allele origin: unknown.

Labcorp Genetics (formerly Invitae), Labcorp
Classification: Uncertain significance for Hereditary nonpolyposis colorectal neoplasms. Last evaluated: 2022-07-19. Review status: criteria provided, single submitter. Criteria: Invitae Variant Classification Sherloc (09022015). Collection method: clinical testing. Allele origin: germline.
Comment: In summary, the available evidence is currently insufficient to determine the role of this variant in disease. Therefore, it has been classified as a Variant of Uncertain Significance. Algorithms developed to predict the effect of sequence changes on RNA splicing suggest that this variant may disrupt the consensus splice site. Advanced modeling of protein sequence and biophysical properties (such as structural, functional, and spatial information, amino acid conservation, physicochemical variation, residue mobility, and thermodynamic stability) performed at Invitae indicates that this missense variant is not expected to disrupt PMS2 protein function. This variant has not been reported in the literature in individuals affected with PMS2-related conditions. The frequency data for this variant in the population databases (gnomAD) is considered unreliable due to the presence of homologous sequence, such as pseudogenes or paralogs, in the genome. This sequence change replaces threonine, which is neutral and polar, with alanine, which is neutral and non-polar, at codon 772 of the PMS2 protein (p.Thr772Ala).

NM_000535.7(PMS2):c.2314A>G (p.Thr772Ala)

Gene: PMS2 (PMS1 homolog 2, mismatch repair system component; minus strand). Cytogenetic location: 7p22.1.
Variant type: single nucleotide variant.
Coding change: c.2314A>G on transcript NM_000535.7 (MANE Select); coding-DNA position 2314, A replaced by G.
Protein change: p.Thr772Ala; replaces threonine 772 with alanine.
Molecular consequence: missense variant.
Genome position (GRCh38, 1-based): chr7:5,977,719, T>C on the plus strand (A>G on the coding strand, the complement: PMS2 is on the minus strand). VCF-style: chr7-5977719-T-C. GRCh37 (hg19) VCF-style: chr7-6017350-T-C.
Other names: c.1909A>G, p.Thr637Ala (NM_001018040.1, NM_001322003.2, NM_001322004.2 and 12 more transcripts); c.2158A>G, p.Thr720Ala (NM_001322006.2); c.1996A>G, p.Thr666Ala (NM_001322007.2, NM_001322008.2, NM_001406883.1); c.1942A>G, p.Thr648Ala (NM_001322009.2, NM_001406887.1, NM_001406888.1); c.1753A>G, p.Thr585Ala (NM_001322010.2, NM_001406906.1, NM_001406907.1); c.1381A>G, p.Thr461Ala (NM_001322011.2, NM_001322012.2); c.2146A>G, p.Thr716Ala (NM_001406874.1, NM_001406872.1); c.2038A>G, p.Thr680Ala (NM_001406875.1); and 18 more; short protein forms T515A, T610A, T617A, T664A, T677A, T716A, T371A, T585A.
Identifiers: ClinVar variation 2058111 (VCV002058111.5), dbSNP rs2128675160, ClinGen allele CA366736031.
Genomic context (GRCh38, chr7:5,977,719, plus strand): 5'-CGCTCAGCATGAAGATCAGTTCATCGACGTCCTGGGGTCCGAAGGTCCAGTTTTTACTAG[T>C]TGGCAAGGAAATCAGTTTAGCCCTTTCAGTGACTGGAGCTAAAAGAATACAATTTTGAGA-3'
Protein context (NP_000526.2, residues 762-782): TERAKLISLP[Thr772Ala]SKNWTFGPQD